The following is an entry in ClinVar:

ClinVar aggregate classification (germline): Pathogenic (1 of 4 stars; one submission).

Conditions:
Lynch syndrome 5 (LYNCH5). Also called: Hereditary non-polyposis colorectal cancer, type 5; Colorectal cancer, hereditary nonpolyposis, type 5. Identifiers: Orphanet 144, MedGen C1833477, MONDO:0013710, OMIM 614350. Disease mechanism: loss of function.

Submission:

Myriad Genetics, Inc.
Classification: Pathogenic for Lynch syndrome 5. Last evaluated: 2025-07-15. Review status: criteria provided, single submitter. Criteria: Myriad Autosomal Dominant, Autosomal Recessive and X-Linked Classification Criteria (2023). Collection method: clinical testing. Allele origin: unknown.
Comment: This variant is considered pathogenic. This variant creates a frameshift predicted to result in premature protein truncation.

NM_000179.3(MSH6):c.1076_1086dup (p.Thr363fs)

Gene: MSH6 (mutS homolog 6; plus strand). Cytogenetic location: 2p16.3.
Variant type: Duplication.
Coding change: c.1076_1086dup on transcript NM_000179.3 (MANE Select); coding-DNA positions 1076 to 1086, 11 bases duplicated (GTAGTCGCCCT).
Protein change: p.Thr363fs; shifts the reading frame from threonine 363.
Molecular consequence: frameshift variant. On other transcripts: non-coding transcript variant (4), intron variant (1).
Genome position (GRCh38, 1-based): chr2:47,799,059-47,799,069, GTAGTCGCCCT duplicated. VCF-style (leftmost placement, unchanged base first): chr2-47799058-A-AGTAGTCGCCCT. GRCh37 (hg19) VCF-style: chr2-48026197-A-AGTAGTCGCCCT.
Other names: c.686_696dup, p.Thr233fs (NM_001281492.2); c.170_180dup, p.Thr61fs (NM_001281493.2, NM_001281494.2, NM_001406811.1 and 6 more transcripts); c.1172_1182dup, p.Thr395fs (NM_001406795.1, NM_001406802.1); c.1076_1086dup, p.Thr363fs (NM_001406796.1, NM_001406798.1, NM_001406800.1 and 4 more transcripts); c.779_789dup, p.Thr264fs (NM_001406797.1, NM_001406801.1, NM_001406805.1 and 10 more transcripts); c.551_561dup, p.Thr188fs (NM_001406799.1, NM_001406806.1, NM_001406807.1); c.998_1008dup, p.Thr337fs (NM_001406804.1); c.1082_1092dup, p.Thr365fs (NM_001406813.1); and 2 more; short protein forms T188fs, T233fs, T264fs, T307fs, T337fs, T363fs, T365fs, T395fs.
Identifiers: ClinVar variation 4294232 (VCV004294232.1).